The following is an entry in ClinVar:

NM_019109.5(ALG1):c.715A>C (p.Ser239Arg)

Gene: ALG1 (ALG1 chitobiosyldiphosphodolichol beta-mannosyltransferase; plus strand). Cytogenetic location: 16p13.3.
Variant type: single nucleotide variant.
Coding change: c.715A>C on transcript NM_019109.5 (MANE Select); coding-DNA position 715, A replaced by C.
Protein change: p.Ser239Arg; replaces serine 239 with arginine.
Molecular consequence: missense variant.
Genome position (GRCh38, 1-based): chr16:5,077,992, A>C. VCF-style: chr16-5077992-A-C. GRCh37 (hg19) VCF-style: chr16-5127993-A-C.
Other names: c.715A>C (NM_019109.4); c.382A>C, p.Ser128Arg (NM_001330504.2); short protein forms S239R, S128R.
Identifiers: ClinVar variation 1479331 (VCV001479331.6), dbSNP rs1373315673, ClinGen allele CA394681604.

ClinVar aggregate classification (germline): Conflicting classifications of pathogenicity. Review status: criteria provided, conflicting classifications (1 of 4 stars). 3 submissions from 3 submitters: Uncertain significance (2); Likely benign (1). Last evaluated 2025-08-02.

Conditions:
Inborn genetic diseases. Identifiers: MedGen C0950123, MeSH D030342.
ALG1-congenital disorder of glycosylation. Also called: ALG1-CDG; CONGENITAL DISORDER OF GLYCOSYLATION, TYPE Ik; CDG Ik. Identifiers: Orphanet 79327, MedGen C2931005, MONDO:0012052, OMIM 608540.

Allele frequency attached by ClinVar (database versions not stated): gnomAD exomes 0.00001; gnomAD 0.00004.
gnomAD v4.1: 106 of 1,600,954 alleles (0.0066%); highest among the groups gnomAD compares: Non-Finnish European, 0.0086%; no homozygotes.

Submissions (3):

Ambry Genetics
Classification: Likely benign for Inborn genetic diseases. Last evaluated: 2025-08-02. Review status: criteria provided, single submitter. Criteria: Ambry Variant Classification Scheme 2023. Collection method: clinical testing. Allele origin: germline.

Fulgent Genetics
Classification: Uncertain significance for ALG1-congenital disorder of glycosylation. Last evaluated: 2024-02-12. Review status: criteria provided, single submitter. Criteria: ACMG Guidelines, 2015. Collection method: clinical testing. Allele origin: germline.

Labcorp Genetics (formerly Invitae), Labcorp
Classification: Uncertain significance for ALG1-congenital disorder of glycosylation. Last evaluated: 2022-06-17. Review status: criteria provided, single submitter. Criteria: Invitae Variant Classification Sherloc (09022015). Collection method: clinical testing. Allele origin: germline.
Comment: This sequence change replaces serine, which is neutral and polar, with arginine, which is basic and polar, at codon 239 of the ALG1 protein (p.Ser239Arg). This variant is present in population databases (no rsID available, gnomAD 0.003%). This variant has not been reported in the literature in individuals affected with ALG1-related conditions. Advanced modeling of protein sequence and biophysical properties (such as structural, functional, and spatial information, amino acid conservation, physicochemical variation, residue mobility, and thermodynamic stability) performed at Invitae indicates that this missense variant is not expected to disrupt ALG1 protein function. In summary, the available evidence is currently insufficient to determine the role of this variant in disease. Therefore, it has been classified as a Variant of Uncertain Significance.